The following is an entry in ClinVar:

NM_003193.5(TBCE):c.757_760del (p.Thr253fs)

Gene: TBCE (tubulin folding cofactor E; plus strand). Cytogenetic location: 1q42.3.
Variant type: Deletion.
Coding change: c.757_760del on transcript NM_003193.5 (MANE Select); coding-DNA positions 757 to 760, 4 bases deleted (ACAG; older notation c.757_760delACAG).
Protein change: p.Thr253fs; shifts the reading frame from threonine 253.
Molecular consequence: frameshift variant.
Genome position (GRCh38, 1-based): chr1:235,435,764-235,435,767, ACAG deleted; deleting any 4 consecutive bases within chr1:235,435,761-235,435,767 gives the same sequence; the c. name uses the placement nearest the transcript's 3' end. VCF-style (leftmost placement, unchanged base first): chr1-235435760-CCAGA-C. GRCh37 (hg19) VCF-style: chr1-235599075-CCAGA-C.
Other names: c.757_760del, p.Thr253fs (NM_001079515.3); c.910_913del, p.Thr304fs (NM_001287801.2); c.418_421del, p.Thr140fs (NM_001287802.2); short protein forms T253fs, T304fs, T140fs.
Identifiers: ClinVar variation 2868743 (VCV002868743.3), dbSNP rs1400319415, ClinGen allele CA529486527.

ClinVar aggregate classification (germline): Pathogenic (1 of 4 stars; one submission).

Submission:

Labcorp Genetics (formerly Invitae), Labcorp
Classification: Pathogenic. Last evaluated: 2023-06-14. Review status: criteria provided, single submitter. Criteria: Invitae Variant Classification Sherloc (09022015). Collection method: clinical testing. Allele origin: germline.
Comment: This sequence change creates a premature translational stop signal (p.Thr253Serfs*4) in the TBCE gene. It is expected to result in an absent or disrupted protein product. Loss-of-function variants in TBCE are known to be pathogenic (PMID: 27666369, 34134906, 34356170). This variant is present in population databases (no rsID available, gnomAD 0.007%). This variant has not been reported in the literature in individuals affected with TBCE-related conditions. For these reasons, this variant has been classified as Pathogenic.

Literature cited by the submitters: PubMed 27666369; PubMed 34134906; PubMed 34356170.